The following is an entry in ClinVar:

NM_000166.6(GJB1):c.116C>T (p.Ala39Val)

Gene: GJB1 (gap junction protein beta 1; plus strand). Cytogenetic location: Xq13.1.
Variant type: single nucleotide variant.
Coding change: c.116C>T on transcript NM_000166.6 (MANE Select); coding-DNA position 116, C replaced by T.
Protein change: p.Ala39Val; replaces alanine 39 with valine.
Molecular consequence: missense variant.
Genome position (GRCh38, 1-based): chrX:71,223,823, C>T. VCF-style: chrX-71223823-C-T. GRCh37 (hg19) VCF-style: chrX-70443673-C-T.
Other names: c.116C>T, p.Ala39Val (NM_001097642.3); short protein forms A39V.
Identifiers: ClinVar variation 188136 (VCV000188136.11), dbSNP rs786204095, ClinGen allele CA334139.

ClinVar aggregate classification (germline): Pathogenic/Likely pathogenic. Review status: criteria provided, multiple submitters, no conflicts (2 of 4 stars). 4 submissions from 4 submitters: Pathogenic (2); Likely pathogenic (1). 1 of the submissions does not count toward it. Last evaluated 2024-02-08.

Conditions:
Charcot-Marie-Tooth disease. Also called: Charcot-Marie-Tooth Neuropathy; Charcot-Marie-Tooth Hereditary Neuropathy. Identifiers: Orphanet 166, MedGen C0007959, MONDO:0015626.
Charcot-Marie-Tooth Neuropathy X. Identifiers: MedGen CN118851.

Allele frequency attached by ClinVar (database versions not stated): gnomAD exomes below 0.00001.
gnomAD v4.1: 2 of 1,211,431 alleles (0.00017%); highest among the groups gnomAD compares: Non-Finnish European, 0.00022%; no homozygotes.

Submissions (4):

Athena Diagnostics
Classification: Pathogenic. Last evaluated: 2024-02-08. Review status: criteria provided, single submitter. Criteria: Athena Diagnostics Criteria. Collection method: clinical testing. Allele origin: unknown.
Comment: This variant has been identified in multiple unrelated individuals with clinical features associated with this gene. This variant has not been reported in large, multi-ethnic general populations. Assessment of experimental evidence suggests this variant results in abnormal protein function. (PMID: 12111842, 28334782)

Cambridge Genomics Laboratory, East Genomic Laboratory Hub, NHS Genomic Medicine Service
Classification: Likely pathogenic for Charcot-Marie-Tooth disease. Last evaluated: 2020-07-13. Review status: criteria provided, single submitter. Criteria: ACGS Best Practice Guidelines for Variant Classification in Rare Disease 2020. Collection method: clinical testing. Allele origin: germline. Affected: yes. Observed: 1 variant allele.

Labcorp Genetics (formerly Invitae), Labcorp
Classification: Pathogenic for Charcot-Marie-Tooth Neuropathy X. Last evaluated: 2014-10-07. Review status: criteria provided, single submitter. Criteria: Invitae Variant Classification Sherloc (09022015). Collection method: clinical testing. Allele origin: germline.
Comment: Because this sequence change is absent from the general population, has been observed in four independent CMT case reports, and disrupts the function of the GJB1 gene product, it has been classified as Pathogenic. This sequence change causes mislocalization of the protein product in the cells. Functional studies showed that the wild type protein is targeted to the cell membrane whereas the mutant protein is localized to the endoplasmic reticulum and therefore interferes with the formation of gap junctions (PMID: 12111842). This sequence change replaces alanine with valine at codon 39 of the GJB1 protein (p.Ala39Val). The alanine residue is highly conserved and there is a small physicochemical difference between alanine and valine. This sequence change has been reported in patients and families affected with CMT (PMID: 9888385, 12457340, 10400511, 10521546) and is not present in population databases.

Inherited Neuropathy Consortium
Classification: Uncertain significance for Charcot-Marie-Tooth disease. Review status: no assertion criteria provided. Collection method: literature only. Allele origin: germline. Affected: yes. Not counted in ClinVar's aggregate classification.

Literature cited by the submitters: PubMed 12111842 (cited by Athena Diagnostics and Labcorp Genetics (formerly Invitae), Labcorp); PubMed 10521546 (cited by 3 submitters); PubMed 10400511 (cited by Athena Diagnostics and Labcorp Genetics (formerly Invitae), Labcorp); PubMed 28334782 (cited by Athena Diagnostics); PubMed 18636082 (cited by Athena Diagnostics); PubMed 22464564 (cited by Athena Diagnostics); PubMed 28768847 (cited by Athena Diagnostics); PubMed 10093067 (cited by Athena Diagnostics); PubMed 9888385 (cited by Labcorp Genetics (formerly Invitae), Labcorp); PubMed 12457340 (cited by Labcorp Genetics (formerly Invitae), Labcorp).